The following is an entry in ClinVar:

NM_024101.7(MLPH):c.624A>C (p.Gln208His)

Gene: MLPH (melanophilin; plus strand). Cytogenetic location: 2q37.3.
Variant type: single nucleotide variant.
Coding change: c.624A>C on transcript NM_024101.7 (MANE Select); coding-DNA position 624, A replaced by C.
Protein change: p.Gln208His; replaces glutamine 208 with histidine.
Molecular consequence: missense variant. On other transcripts: non-coding transcript variant (1), intron variant (1).
Genome position (GRCh38, 1-based): chr2:237,519,978, A>C. VCF-style: chr2-237519978-A-C. GRCh37 (hg19) VCF-style: chr2-238428621-A-C.
Other names: c.624A>C, p.Gln208His (NM_001042467.3, NM_001281474.2); c.555+1330A>C (NM_001281473.2); c.624A>C (NM_024101.5); short protein forms Q208H.
Identifiers: ClinVar variation 1305771 (VCV001305771.6), dbSNP rs1385877982, ClinGen allele CA351194900.

ClinVar aggregate classification (germline): Uncertain significance. Review status: criteria provided, multiple submitters, no conflicts (2 of 4 stars). 3 submissions from 3 submitters: Uncertain significance (3). Last evaluated 2025-07-04.

Conditions:
Inborn genetic diseases. Identifiers: MedGen C0950123, MeSH D030342.

Allele frequency attached by ClinVar (database versions not stated): gnomAD exomes 0.00001; gnomAD 0.00003 and 0.00004; TOPMed 0.00005.
gnomAD v4.1: 13 of 1,613,890 alleles (0.00081%); highest among the groups gnomAD compares: African/African-American, 0.015%; no homozygotes.

Submissions (3):

Labcorp Genetics (formerly Invitae), Labcorp
Classification: Uncertain significance. Last evaluated: 2025-07-04. Review status: criteria provided, single submitter. Criteria: Invitae Variant Classification Sherloc (09022015). Collection method: clinical testing. Allele origin: germline.
Comment: This sequence change replaces glutamine, which is neutral and polar, with histidine, which is basic and polar, at codon 208 of the MLPH protein (p.Gln208His). This variant is present in population databases (no rsID available, gnomAD 0.02%). This variant has not been reported in the literature in individuals affected with MLPH-related conditions. ClinVar contains an entry for this variant (Variation ID: 1305771). Invitae Evidence Modeling of protein sequence and biophysical properties (such as structural, functional, and spatial information, amino acid conservation, physicochemical variation, residue mobility, and thermodynamic stability) indicates that this missense variant is not expected to disrupt MLPH protein function with a negative predictive value of 80%. In summary, the available evidence is currently insufficient to determine the role of this variant in disease. Therefore, it has been classified as a Variant of Uncertain Significance.

Ambry Genetics
Classification: Uncertain significance for Inborn genetic diseases. Last evaluated: 2025-06-22. Review status: criteria provided, single submitter. Criteria: Ambry Variant Classification Scheme 2023. Collection method: clinical testing. Allele origin: germline.

GeneDx
Classification: Uncertain significance. Last evaluated: 2019-05-17. Review status: criteria provided, single submitter. Criteria: GeneDx Variant Classification Process June 2021. Collection method: clinical testing. Allele origin: germline. Affected: yes.
Comment: In silico analysis, which includes protein predictors and evolutionary conservation, supports that this variant does not alter protein structure/function; Has not been previously published as pathogenic or benign to our knowledge